The following is an entry in ClinVar:

ClinVar aggregate classification (germline): Uncertain significance (1 of 4 stars; one submission).

Conditions:
Hereditary insensitivity to pain with anhidrosis (CIPA). Also called: INSENSITIVITY TO PAIN, CONGENITAL, WITH ANHIDROSIS; FAMILIAL DYSAUTONOMIA, TYPE II; NEUROPATHY, CONGENITAL SENSORY, WITH ANHIDROSIS; NTRK1 Congenital Insensitivity to Pain with Anhidrosis; HSAN Type IV; hereditary sensory and autonomic neuropathy type 4. Identifiers: Orphanet 642, MedGen C0020074, MONDO:0009746, OMIM 256800.

gnomAD v4.1: 27 of 1,614,056 alleles (0.0017%); highest among the groups gnomAD compares: South Asian, 0.0033%; no homozygotes.

Submission:

Labcorp Genetics (formerly Invitae), Labcorp
Classification: Uncertain significance for Hereditary insensitivity to pain with anhidrosis. Last evaluated: 2026-02-01. Review status: criteria provided, single submitter. Criteria: Invitae Variant Classification Sherloc (09022015). Collection method: clinical testing. Allele origin: germline.
Comment: This sequence change replaces valine, which is neutral and non-polar, with methionine, which is neutral and non-polar, at codon 505 of the NTRK1 protein (p.Val505Met). This variant is present in population databases (rs769486223, gnomAD 0.01%). This variant has not been reported in the literature in individuals affected with NTRK1-related conditions. Invitae Evidence Modeling of protein sequence and biophysical properties (such as structural, functional, and spatial information, amino acid conservation, physicochemical variation, residue mobility, and thermodynamic stability) indicates that this missense variant is not expected to disrupt NTRK1 protein function with a negative predictive value of 95%. In summary, the available evidence is currently insufficient to determine the role of this variant in disease. Therefore, it has been classified as a Variant of Uncertain Significance.

NM_002529.4(NTRK1):c.1531G>A (p.Val511Met)

Gene: NTRK1 (neurotrophic receptor tyrosine kinase 1; plus strand). Cytogenetic location: 1q23.1.
Variant type: single nucleotide variant.
Coding change: c.1531G>A on transcript NM_002529.4 (MANE Select); coding-DNA position 1531, G replaced by A.
Protein change: p.Val511Met; replaces valine 511 with methionine.
Molecular consequence: missense variant.
Genome position (GRCh38, 1-based): chr1:156,876,109, G>A. VCF-style: chr1-156876109-G-A. GRCh37 (hg19) VCF-style: chr1-156845901-G-A.
Other names: c.1423G>A, p.Val475Met (NM_001007792.1); c.1513G>A, p.Val505Met (NM_001012331.2); short protein forms V475M, V511M, V505M.
Identifiers: ClinVar variation 4761561 (VCV004761561.1).